The following is an entry in ClinVar:

NM_001621.5(AHR):c.1523T>C (p.Ile508Thr)

Gene: AHR (aryl hydrocarbon receptor; plus strand). Cytogenetic location: 7p21.1.
Variant type: single nucleotide variant.
Coding change: c.1523T>C on transcript NM_001621.5 (MANE Select); coding-DNA position 1523, T replaced by C.
Protein change: p.Ile508Thr; replaces isoleucine 508 with threonine.
Molecular consequence: missense variant.
Genome position (GRCh38, 1-based): chr7:17,339,348, T>C. VCF-style: chr7-17339348-T-C. GRCh37 (hg19) VCF-style: chr7-17378972-T-C.
Other names: c.1523T>C (NM_001621.4); short protein forms I508T.
Identifiers: ClinVar variation 1059855 (VCV001059855.10), dbSNP rs750552628, ClinGen allele CA4172137.

ClinVar aggregate classification (germline): Uncertain significance. Review status: criteria provided, multiple submitters, no conflicts (2 of 4 stars). 2 submissions from 2 submitters: Uncertain significance (2). Last evaluated 2025-08-11.

Allele frequency attached by ClinVar (database versions not stated): gnomAD exomes below 0.00001; ExAC 0.00001; gnomAD 0.00002; TOPMed 0.00003.
gnomAD v4.1: 5 of 1,614,086 alleles (0.00031%); highest among the groups gnomAD compares: African/African-American, 0.0067%; no homozygotes.

Submissions (2):

Ambry Genetics
Classification: Uncertain significance. Last evaluated: 2025-08-11. Review status: criteria provided, single submitter. Criteria: Ambry Variant Classification Scheme 2023. Collection method: clinical testing. Allele origin: germline.

Labcorp Genetics (formerly Invitae), Labcorp
Classification: Uncertain significance. Last evaluated: 2022-07-05. Review status: criteria provided, single submitter. Criteria: Invitae Variant Classification Sherloc (09022015). Collection method: clinical testing. Allele origin: germline.
Comment: In summary, the available evidence is currently insufficient to determine the role of this variant in disease. Therefore, it has been classified as a Variant of Uncertain Significance. Algorithms developed to predict the effect of missense changes on protein structure and function (SIFT, PolyPhen-2, Align-GVGD) all suggest that this variant is likely to be tolerated. ClinVar contains an entry for this variant (Variation ID: 1059855). This variant has not been reported in the literature in individuals affected with AHR-related conditions. This variant is present in population databases (rs750552628, gnomAD 0.008%). This sequence change replaces isoleucine, which is neutral and non-polar, with threonine, which is neutral and polar, at codon 508 of the AHR protein (p.Ile508Thr).